The following is an entry in ClinVar:

ClinVar aggregate classification (germline): Uncertain significance (1 of 4 stars; one submission).

Allele frequency attached by ClinVar (database versions not stated): gnomAD 0.00001; TOPMed 0.00001; gnomAD exomes 0.00007.
gnomAD v4.1: 98 of 1,540,316 alleles (0.0064%); highest among the groups gnomAD compares: Non-Finnish European, 0.0082%; no homozygotes.

Submission:

Labcorp Genetics (formerly Invitae), Labcorp
Classification: Uncertain significance. Last evaluated: 2023-06-17. Review status: criteria provided, single submitter. Criteria: Invitae Variant Classification Sherloc (09022015). Collection method: clinical testing. Allele origin: germline.
Comment: An algorithm developed to predict the effect of missense changes on protein structure and function (PolyPhen-2) suggests that this variant is likely to be disruptive. In summary, the available evidence is currently insufficient to determine the role of this variant in disease. Therefore, it has been classified as a Variant of Uncertain Significance. This variant has not been reported in the literature in individuals affected with OTOG-related conditions. This variant is present in population databases (no rsID available, gnomAD 0.008%). This sequence change replaces arginine, which is basic and polar, with cysteine, which is neutral and slightly polar, at codon 743 of the OTOG protein (p.Arg743Cys).

NM_001292063.2(OTOG):c.2191C>T (p.Arg731Cys)

Gene: OTOG (otogelin; plus strand). Cytogenetic location: 11p15.1.
Variant type: single nucleotide variant.
Coding change: c.2191C>T on transcript NM_001292063.2 (MANE Select); coding-DNA position 2191, C replaced by T.
Protein change: p.Arg731Cys; replaces arginine 731 with cysteine.
Molecular consequence: missense variant.
Genome position (GRCh38, 1-based): chr11:17,573,188, C>T. VCF-style: chr11-17573188-C-T. GRCh37 (hg19) VCF-style: chr11-17594735-C-T.
Other names: c.2227C>T, p.Arg743Cys (NM_001277269.2); short protein forms R731C, R743C.
Identifiers: ClinVar variation 2967241 (VCV002967241.3), dbSNP rs1335824778, ClinGen allele CA379770255.